The following is an entry in ClinVar:

NM_052859.3(RFT1):c.-42T>C

Genes: RFT1 (RFT1 glycolipid translocator homolog; minus strand), LOC129936883 (ATAC-STARR-seq lymphoblastoid active region 19954; plus strand). Cytogenetic location: 3p21.1.
Variant type: single nucleotide variant.
Coding change: c.-42T>C on transcript NM_052859.3; 42 bases upstream of the start codon, T replaced by C.
Genome position (GRCh38, 1-based): chr3:53,130,442, A>G on the plus strand (T>C on the coding strand, the complement: RFT1 is on the minus strand). VCF-style: chr3-53130442-A-G. GRCh37 (hg19) VCF-style: chr3-53164458-A-G.
Identifiers: ClinVar variation 391203 (VCV000391203.3), dbSNP rs777978934, ClinGen allele CA2451601.

ClinVar aggregate classification (germline): Likely benign (1 of 4 stars; one submission).

Allele frequency attached by ClinVar (database versions not stated): TOPMed 0.00009; ExAC 0.00012; gnomAD exomes 0.00009; 1000 Genomes Project 30x 0.00016; gnomAD 0.00009 and 0.00010.

Submission:

GeneDx
Classification: Likely benign. Last evaluated: 2016-12-09. Review status: criteria provided, single submitter. Criteria: GeneDx Variant Classification (06012015). Collection method: clinical testing. Allele origin: germline. Affected: yes.
Comment: This variant is considered likely benign or benign based on one or more of the following criteria: it is a conservative change, it occurs at a poorly conserved position in the protein, it is predicted to be benign by multiple in silico algorithms, and/or has population frequency not consistent with disease.